The following is an entry in ClinVar:

NM_000069.3(CACNA1S):c.5417T>C (p.Phe1806Ser)

Gene: CACNA1S (calcium voltage-gated channel subunit alpha1 S; minus strand). Cytogenetic location: 1q32.1.
Variant type: single nucleotide variant.
Coding change: c.5417T>C on transcript NM_000069.3 (MANE Select); coding-DNA position 5417, T replaced by C.
Protein change: p.Phe1806Ser; replaces phenylalanine 1806 with serine.
Molecular consequence: missense variant.
Genome position (GRCh38, 1-based): chr1:201,040,036, A>G on the plus strand (T>C on the coding strand, the complement: CACNA1S is on the minus strand). VCF-style: chr1-201040036-A-G. GRCh37 (hg19) VCF-style: chr1-201009164-A-G.
Other names: short protein forms F1806S.
Identifiers: ClinVar variation 496653 (VCV000496653.3), dbSNP rs1553247334, ClinGen allele CA344129661.

ClinVar aggregate classification (germline): Uncertain significance (1 of 4 stars; one submission).

Conditions:
Malignant hyperthermia of anesthesia. Also called: Anesthesic-triggered malignant hyperthermia. Identifiers: Orphanet 423, MedGen C0024591, MONDO:0018493, HP:0034733.

gnomAD v4.1: 8 of 1,614,204 alleles (0.0005%); highest among the groups gnomAD compares: Non-Finnish European, 0.00059%; no homozygotes.

Submission:

CSER _CC_NCGL, University of Washington
Classification: Uncertain significance for Malignant hyperthermia. Last evaluated: 2016-10-01. Review status: criteria provided, single submitter. Criteria: Amendola et al. (Genome Res. 2015). Collection method: research. Allele origin: germline. Affected: no. Study: CSER - NEXT Medicine variant annotation.
Comment: This interpretation considers GERP score and allele frequency data, in addition to published reports of the variant in the literature, available at the time of review.